The following is an entry in ClinVar:

NM_152594.3(SPRED1):c.416A>C (p.Asp139Ala)

Gene: SPRED1 (sprouty related EVH1 domain containing 1; plus strand). Cytogenetic location: 15q14.
Variant type: single nucleotide variant.
Coding change: c.416A>C on transcript NM_152594.3 (MANE Select); coding-DNA position 416, A replaced by C.
Protein change: p.Asp139Ala; replaces aspartic acid 139 with alanine.
Molecular consequence: missense variant.
Genome position (GRCh38, 1-based): chr15:38,324,802, A>C. VCF-style: chr15-38324802-A-C. GRCh37 (hg19) VCF-style: chr15-38617003-A-C.
Other names: short protein forms D139A.
Identifiers: ClinVar variation 4615043 (VCV004615043.1).
Genomic context (GRCh38, chr15:38,324,802, plus strand): 5'-AACTTTTATCTATTTTCTTAGGATGCCCCGAATCAAAAAATGAAGCTGAAGGGGCAGATG[A>C]CTTACAAGTAAGTAATGGCTTGGAAGGAATTTGTAAACATAAAGGATGTGGAAGAAATCA-3'
Protein context (NP_689807.1, residues 129-149): ESKNEAEGAD[Asp139Ala]LQANEEDSSS

ClinVar aggregate classification (germline): Uncertain significance (1 of 4 stars; one submission).

Conditions:
Cardiovascular phenotype. Identifiers: MedGen CN230736.

Submission:

Ambry Genetics
Classification: Uncertain significance for Cardiovascular phenotype. Last evaluated: 2025-11-27. Review status: criteria provided, single submitter. Criteria: Ambry Variant Classification Scheme 2023. Collection method: clinical testing. Allele origin: germline.
Comment: The p.D139A variant (also known as c.416A>C), located in coding exon 4 of the SPRED1 gene, results from an A to C substitution at nucleotide position 416. The aspartic acid at codon 139 is replaced by alanine, an amino acid with dissimilar properties. This amino acid position is conserved. In addition, this alteration is predicted to be tolerated by in silico analysis. Based on the available evidence, the clinical significance of this variant remains unclear.